The following is an entry in ClinVar:

ClinVar aggregate classification (germline): Likely benign. Review status: criteria provided, multiple submitters, no conflicts (2 of 4 stars). 2 submissions from 2 submitters: Likely benign (2). Last evaluated 2024-07-09.

Allele frequency attached by ClinVar (database versions not stated): gnomAD exomes 0.00001.
gnomAD v4.1: 3 of 1,547,238 alleles (0.00019%); highest among the groups gnomAD compares: Non-Finnish European, 0.00026%; no homozygotes.

Submissions (2):

Blueprint Genetics
Classification: Likely benign. Last evaluated: 2024-07-09. Review status: criteria provided, single submitter. Criteria: ACMG Guidelines, 2015. Collection method: clinical testing. Allele origin: germline.

CeGaT Center for Human Genetics Tuebingen
Classification: Likely benign. Last evaluated: 2022-05-01. Review status: criteria provided, single submitter. Criteria: CeGaT Center For Human Genetics Tuebingen Variant Classification Criteria Version 2. Collection method: clinical testing. Allele origin: germline. Affected: yes. Observed: 1 variant allele.
Comment: OTOG: PM2:Supporting, BP4, BP7

NM_001292063.2(OTOG):c.4719A>T (p.Ala1573=)

Gene: OTOG (otogelin; plus strand). Cytogenetic location: 11p15.1.
Variant type: single nucleotide variant.
Coding change: c.4719A>T on transcript NM_001292063.2 (MANE Select); coding-DNA position 4719, A replaced by T.
Protein change: p.Ala1573=; no amino-acid change (alanine 1573 retained).
Molecular consequence: synonymous variant.
Genome position (GRCh38, 1-based): chr11:17,610,019, A>T. VCF-style: chr11-17610019-A-T. GRCh37 (hg19) VCF-style: chr11-17631566-A-T.
Other names: c.4755A>T, p.Ala1585= (NM_001277269.2).
Identifiers: ClinVar variation 2641650 (VCV002641650.25), dbSNP rs2497531566, ClinGen allele CA473517208.